The following is an entry in ClinVar:

ClinVar aggregate classification (germline): Benign (1 of 4 stars; one submission).

Conditions:
Huntington disease (HD). Also called: Huntington's chorea; Huntington's disease; HUNTINGTON CHOREA. Identifiers: Orphanet 248111, Orphanet 399, MedGen C0020179, MONDO:0007739, OMIM 143100.

Submission:

Department Of Human Genetics, Institute Of Clinical And Translational Research, Biomedical Research Center, Slovak Academy Of Sciences
Classification: Benign for Huntington disease. Last evaluated: 2026-09-23. Review status: criteria provided, single submitter. Criteria: ACMG Guidelines for Huntington disease, 2014. Collection method: research. Allele origin: germline. Inheritance: Autosomal dominant inheritance.
Comment: The NC_000004.12.g.3074878_3074940AGC[11]AAC[1]AGC[1] allele represents a complex trinucleotide repeat sequence in the HTT (huntingtin) gene. The repeat tract consists of 11 consecutive AGC repeats, followed by one AAC repeat and one additional AGC repeat. This sequence corresponds to 11 uninterrupted glutamine-encoding units or 13 interrupted glutamine-encoding repeat units (this count the AAC interruption and the additional AGC to the total number of repeats on the DNA level, while all resulting in glutamine residues at the protein level). Huntington disease (HD) is an autosomal dominant neurodegenerative disorder caused by an expansion of the CAG trinucleotide repeat in exon 1 of the HTT gene. HTT alleles containing 26 or fewer CAG repeats are considered within the normal range, whereas alleles containing 27–35 repeats are classified as intermediate/premutation, 36-39 repeats as reduced-penetrance pathogenic alleles, and 40 or more repeats as full-penetrance pathogenic alleles. This allele falls into the benign range both when considering the 11 uninterrupted as well as the 13 interrupted glutamine-encoding repeats. The allele reached 0.16% frequency in the general population of Slovakia (in 609 genotyped alleles).

NC_000004.12:g.3074878_3074940AGC[11]AAC[1]AGC[1]

Genes: HTT (huntingtin; plus strand), LOC109461479 (huntingtin repeat instability region; plus strand), LOC129929027 (ATAC-STARR-seq lymphoblastoid silent region 15199; plus strand). Cytogenetic location: 4p16.3.
Variant type: Microsatellite.
Molecular consequence: inframe deletion (on NM_001388492.1).
Genome position: GRCh38 VCF-style: chr4-3074876-CCAGCAGCAGCAGCAGCAGCAGCAG-C. GRCh37 (hg19) VCF-style: chr4-3076603-CCAGCAGCAGCAGCAGCAGCAGCAG-C.
Other names: c.54GCA[13], p.Gln33_Gln38del (NM_001388492.1); c.54GCA[13], p.Gln33_Gln40del (NM_002111.8).
Identifiers: ClinVar variation 5042745 (VCV005042745.1).
Genomic context (GRCh38, chr4:3,074,876, plus strand): 5'-GGAGACCGCCATGGCGACCCTGGAAAAGCTGATGAAGGCCTTCGAGTCCCTCAAGTCCTT[CCAGCAGCAGCAGCAGCAGCAGCAG>C]CAGCAGCAGCAGCAGCAGCAGCAGCAGCAGCAGCAACAGCCGCCACCGCCGCCGCCGCCG-3'